The following is an entry in ClinVar:

ClinVar aggregate classification (germline): Pathogenic (1 of 4 stars; one submission).

Conditions:
Early-infantile DEE. Also called: Ohtahara syndrome; Early infantile epileptic encephalopathy with suppression bursts; Early infantile epileptic encephalopathy. Identifiers: Orphanet 1934, MedGen C0393706, MONDO:0800491.

Submission:

Labcorp Genetics (formerly Invitae), Labcorp
Classification: Pathogenic for Early-infantile DEE. Last evaluated: 2022-01-12. Review status: criteria provided, single submitter. Criteria: Invitae Variant Classification Sherloc (09022015). Collection method: clinical testing. Allele origin: germline.
Comment: This sequence change creates a premature translational stop signal (p.Gln732*) in the SCN1A gene. It is expected to result in an absent or disrupted protein product. Loss-of-function variants in SCN1A are known to be pathogenic (PMID: 17347258, 18930999). This variant is not present in population databases (gnomAD no frequency). This variant has not been reported in the literature in individuals affected with SCN1A-related conditions. Algorithms developed to predict the effect of sequence changes on RNA splicing suggest that this variant may create or strengthen a splice site. For these reasons, this variant has been classified as Pathogenic.

Literature cited by the submitters: PubMed 17347258; PubMed 18930999.

NM_001165963.4(SCN1A):c.2194C>T (p.Gln732Ter)

Gene: SCN1A (sodium voltage-gated channel alpha subunit 1; minus strand). Cytogenetic location: 2q24.3.
Variant type: single nucleotide variant.
Coding change: c.2194C>T on transcript NM_001165963.4 (MANE Select); coding-DNA position 2194, C replaced by T.
Protein change: p.Gln732Ter; replaces glutamine 732 with a stop codon.
Molecular consequence: nonsense. On other transcripts: 5 prime UTR variant (1), non-coding transcript variant (1).
Genome position (GRCh38, 1-based): chr2:166,041,452, G>A on the plus strand (C>T on the coding strand, the complement: SCN1A is on the minus strand). VCF-style: chr2-166041452-G-A. GRCh37 (hg19) VCF-style: chr2-166897962-G-A.
Other names: c.2110C>T, p.Gln704Ter (NM_001165964.3, NM_001353957.2, NM_001353958.2); c.2194C>T, p.Gln732Ter (NM_001202435.3, NM_001353948.2); c.2161C>T, p.Gln721Ter (NM_001353949.2, NM_001353950.2, NM_001353951.2 and 2 more transcripts); c.2158C>T, p.Gln720Ter (NM_001353954.2, NM_001353955.2); c.2107C>T, p.Gln703Ter (NM_001353960.2); c.-265C>T (NM_001353961.2); short protein forms Q704*, Q720*, Q732*, Q703*, Q721*.
Identifiers: ClinVar variation 2080807 (VCV002080807.4), dbSNP rs2468132935, ClinGen allele CA349065275.